The following is an entry in ClinVar:

NM_007294.4(BRCA1):c.809A>T (p.His270Leu)

Gene: BRCA1 (BRCA1 DNA repair associated; minus strand). Cytogenetic location: 17q21.31.
Variant type: single nucleotide variant.
Coding change: c.809A>T on transcript NM_007294.4 (MANE Select); coding-DNA position 809, A replaced by T.
Protein change: p.His270Leu; replaces histidine 270 with leucine.
Molecular consequence: missense variant. On other transcripts: 5 prime UTR variant (2), intron variant (137).
Genome position (GRCh38, 1-based): chr17:43,094,722, T>A on the plus strand (A>T on the coding strand, the complement: BRCA1 is on the minus strand). VCF-style: chr17-43094722-T-A. GRCh37 (hg19) VCF-style: chr17-41246739-T-A.
Other names: c.596A>T, p.His199Leu (NM_001407571.1, NM_001407853.1, NM_001407894.1 and 9 more transcripts); c.809A>T, p.His270Leu (NM_001407581.1, NM_001407582.1, NM_001407583.1 and 30 more transcripts); c.806A>T, p.His269Leu (NM_001407587.1, NM_001407590.1, NM_001407591.1 and 22 more transcripts); c.800A>T, p.His267Leu (NM_001407646.1, NM_001407647.1); c.686A>T, p.His229Leu (NM_001407648.1, NM_001407664.1, NM_001407665.1 and 19 more transcripts); c.683A>T, p.His228Leu (NM_001407649.1, NM_001407670.1, NM_001407671.1 and 11 more transcripts); c.731A>T, p.His244Leu (NM_001407653.1, NM_001407654.1, NM_001407655.1 and 4 more transcripts); c.728A>T, p.His243Leu (NM_001407659.1, NM_001407660.1, NM_001407661.1 and 1 more transcripts); and 40 more; short protein forms H223L, H270L, H159L, H200L, H203L, H142L, H158L, H182L.
Identifiers: ClinVar variation 1319800 (VCV001319800.9), dbSNP rs1597879864, ClinGen allele CA10600461.

ClinVar aggregate classification (germline): Conflicting classifications of pathogenicity. Review status: criteria provided, conflicting classifications (1 of 4 stars). 4 submissions from 4 submitters: Uncertain significance (3); Likely benign (1). Last evaluated 2025-11-22.

Conditions:
Hereditary cancer-predisposing syndrome. Also called: Hereditary neoplastic syndrome; Neoplastic Syndromes, Hereditary; Tumor predisposition; Hereditary Cancer Syndrome. Identifiers: Orphanet 140162, MedGen C0027672, MeSH D009386, MONDO:0015356.
Hereditary breast ovarian cancer syndrome. Also called: Hereditary breast and/or ovarian cancer syndrome; Hereditary breast and ovarian cancer syndrome; Hereditary breast and ovarian cancer; Breast and ovarian cancer; Hereditary breast and ovarian cancer syndrome (HBOC); BRCA1- and BRCA2-Associated Hereditary Breast and Ovarian Cancer. Identifiers: Orphanet 145, MedGen C0677776, MeSH D061325, MONDO:0003582. Disease mechanism: loss of function.

Submissions (4):

Labcorp Genetics (formerly Invitae), Labcorp
Classification: Uncertain significance for Hereditary breast ovarian cancer syndrome. Last evaluated: 2025-11-22. Review status: criteria provided, single submitter. Criteria: Invitae Variant Classification Sherloc (09022015). Collection method: clinical testing. Allele origin: germline.
Comment: This sequence change replaces histidine, which is basic and polar, with leucine, which is neutral and non-polar, at codon 270 of the BRCA1 protein (p.His270Leu). This variant is not present in population databases (gnomAD no frequency). This variant has not been reported in the literature in individuals affected with BRCA1-related conditions. ClinVar contains an entry for this variant (Variation ID: 1319800). Invitae Evidence Modeling of protein sequence and biophysical properties (such as structural, functional, and spatial information, amino acid conservation, physicochemical variation, residue mobility, and thermodynamic stability) indicates that this missense variant is not expected to disrupt BRCA1 protein function with a negative predictive value of 80%. In summary, the available evidence is currently insufficient to determine the role of this variant in disease. Therefore, it has been classified as a Variant of Uncertain Significance.

University of Washington Department of Laboratory Medicine, University of Washington
Classification: Likely benign for Hereditary cancer-predisposing syndrome. Last evaluated: 2023-03-23. Review status: criteria provided, single submitter. Criteria: Dines et al. (Genet Med. 2020). Collection method: curation. Allele origin: germline.
Comment: Missense variant in a coldspot region where missense variants are very unlikely to be pathogenic (PMID:31911673).

BRCA1 coldspot (exon 11 using historical exon numbering). Reclassification based on statistical prior probability

Institute for Clinical Genetics, University Hospital TU Dresden, University Hospital TU Dresden
Classification: Uncertain significance. Last evaluated: 2021-11-03. Review status: criteria provided, single submitter. Criteria: ACMG Guidelines, 2015. Collection method: clinical testing. Allele origin: germline.

Ambry Genetics
Classification: Uncertain significance for Hereditary cancer-predisposing syndrome. Last evaluated: 2020-10-13. Review status: criteria provided, single submitter. Criteria: Ambry Variant Classification Scheme 2023. Collection method: clinical testing. Allele origin: germline.
Comment: The p.H270L variant (also known as c.809A>T), located in coding exon 9 of the BRCA1 gene, results from an A to T substitution at nucleotide position 809. The histidine at codon 270 is replaced by leucine, an amino acid with similar properties. This amino acid position is not well conserved in available vertebrate species. In addition, the in silico prediction for this alteration is inconclusive. Since supporting evidence is limited at this time, the clinical significance of this alteration remains unclear.